The following is an entry in ClinVar:

ClinVar aggregate classification (germline): Uncertain significance. Review status: criteria provided, multiple submitters, no conflicts (2 of 4 stars). 2 submissions from 2 submitters: Uncertain significance (2). Last evaluated 2026-01-25.

Conditions:
Hereditary cancer-predisposing syndrome. Also called: Hereditary neoplastic syndrome; Neoplastic Syndromes, Hereditary; Tumor predisposition; Hereditary Cancer Syndrome. Identifiers: Orphanet 140162, MedGen C0027672, MeSH D009386, MONDO:0015356.
Neuroblastoma, susceptibility to, 3. Also called: ALK-Related Neuroblastic Tumor Susceptibility. Identifiers: Orphanet 635, MedGen C2751681, MONDO:0013083, OMIM 613014.

Allele frequency attached by ClinVar (database versions not stated): TOPMed below 0.00001; gnomAD exomes 0.00001.
gnomAD v4.1: 3 of 1,614,222 alleles (0.00019%); highest among the groups gnomAD compares: Admixed American, 0.0017%; no homozygotes.

Submissions (2):

Labcorp Genetics (formerly Invitae), Labcorp
Classification: Uncertain significance for Neuroblastoma, susceptibility to, 3. Last evaluated: 2026-01-25. Review status: criteria provided, single submitter. Criteria: Invitae Variant Classification Sherloc (09022015). Collection method: clinical testing. Allele origin: germline.
Comment: This sequence change replaces alanine, which is neutral and non-polar, with serine, which is neutral and polar, at codon 815 of the ALK protein (p.Ala815Ser). This variant is not present in population databases (gnomAD no frequency). This variant has not been reported in the literature in individuals affected with ALK-related conditions. ClinVar contains an entry for this variant (Variation ID: 470794). An algorithm developed to predict the effect of missense changes on protein structure and function (PolyPhen-2) suggests that this variant is likely to be disruptive. In summary, the available evidence is currently insufficient to determine the role of this variant in disease. Therefore, it has been classified as a Variant of Uncertain Significance.

Ambry Genetics
Classification: Uncertain significance for Hereditary cancer-predisposing syndrome. Last evaluated: 2025-01-27. Review status: criteria provided, single submitter. Criteria: Ambry Variant Classification Scheme 2023. Collection method: clinical testing. Allele origin: germline.
Comment: The p.A815S variant (also known as c.2443G>T), located in coding exon 14 of the ALK gene, results from a G to T substitution at nucleotide position 2443. The alanine at codon 815 is replaced by serine, an amino acid with similar properties. This amino acid position is conserved. In addition, this alteration is predicted to be tolerated by in silico analysis. Since supporting evidence is limited at this time, the clinical significance of this alteration remains unclear.

NM_004304.5(ALK):c.2443G>T (p.Ala815Ser)

Gene: ALK (ALK receptor tyrosine kinase; minus strand). Cytogenetic location: 2p23.2.
Variant type: single nucleotide variant.
Coding change: c.2443G>T on transcript NM_004304.5 (MANE Select); coding-DNA position 2443, G replaced by T.
Protein change: p.Ala815Ser; replaces alanine 815 with serine.
Molecular consequence: missense variant.
Genome position (GRCh38, 1-based): chr2:29,233,609, C>A on the plus strand (G>T on the coding strand, the complement: ALK is on the minus strand). VCF-style: chr2-29233609-C-A. GRCh37 (hg19) VCF-style: chr2-29456475-C-A.
Other names: short protein forms A815S.
Identifiers: ClinVar variation 470794 (VCV000470794.12), dbSNP rs200486099, ClinGen allele CA44639179.
Genomic context (GRCh38, chr2:29,233,609, plus strand): 5'-GCAGCACACACCATACCTTAAATACGTAGGTGGCTCCACCCCCTCCTCCTCCGCCTCCTG[C>A]CCACTCATGCACGCTTCTGTTCACACGGATTTCTTCTTCTATCACATTGTTCTCTCCAAT-3'
Protein context (NP_004295.2, residues 805-825): IRVNRSVHEW[Ala815Ser]GGGGGGGGAT